The following is an entry in ClinVar:

ClinVar aggregate classification (germline): Uncertain significance (1 of 4 stars; one submission).

Allele frequency attached by ClinVar (database versions not stated): TOPMed 0.00002.

Submission:

Labcorp Genetics (formerly Invitae), Labcorp
Classification: Uncertain significance. Last evaluated: 2024-02-02. Review status: criteria provided, single submitter. Criteria: Invitae Variant Classification Sherloc (09022015). Collection method: clinical testing. Allele origin: germline.
Comment: This sequence change replaces valine, which is neutral and non-polar, with alanine, which is neutral and non-polar, at codon 182 of the RNF31 protein (p.Val182Ala). This variant is not present in population databases (gnomAD no frequency). This variant has not been reported in the literature in individuals affected with RNF31-related conditions. ClinVar contains an entry for this variant (Variation ID: 1951933). Algorithms developed to predict the effect of missense changes on protein structure and function output the following: SIFT: "Not Available"; PolyPhen-2: "Benign"; Align-GVGD: "Not Available". The alanine amino acid residue is found in multiple mammalian species, which suggests that this missense change does not adversely affect protein function. In summary, the available evidence is currently insufficient to determine the role of this variant in disease. Therefore, it has been classified as a Variant of Uncertain Significance.

NM_017999.5(RNF31):c.545T>C (p.Val182Ala)

Gene: RNF31 (ring finger protein 31; plus strand). Cytogenetic location: 14q12.
Variant type: single nucleotide variant.
Coding change: c.545T>C on transcript NM_017999.5 (MANE Select); coding-DNA position 545, T replaced by C.
Protein change: p.Val182Ala; replaces valine 182 with alanine.
Molecular consequence: missense variant.
Genome position (GRCh38, 1-based): chr14:24,148,691, T>C. VCF-style: chr14-24148691-T-C. GRCh37 (hg19) VCF-style: chr14-24617900-T-C.
Other names: c.92T>C, p.Val31Ala (NM_001310332.2); short protein forms V182A, V31A.
Identifiers: ClinVar variation 1951933 (VCV001951933.5), dbSNP rs2038215465, ClinGen allele CA389289513.